The following is an entry in ClinVar:

ClinVar aggregate classification (germline): Uncertain significance (1 of 4 stars; one submission).

Allele frequency attached by ClinVar (database versions not stated): gnomAD exomes below 0.00001.
gnomAD v4.1: 2 of 1,613,746 alleles (0.00012%); highest among the groups gnomAD compares: Admixed American, 0.0017%; no homozygotes.

Submission:

Ambry Genetics
Classification: Uncertain significance. Last evaluated: 2023-03-18. Review status: criteria provided, single submitter. Criteria: Ambry Variant Classification Scheme 2023. Collection method: clinical testing. Allele origin: germline.
Comment: The p.S1065N variant (also known as c.3194G>A), located in coding exon 27 of the PRKDC gene, results from a G to A substitution at nucleotide position 3194. The serine at codon 1065 is replaced by asparagine, an amino acid with highly similar properties. This amino acid position is conserved. In addition, this alteration is predicted to be tolerated by in silico analysis. Since supporting evidence is limited at this time, the clinical significance of this alteration remains unclear.

NM_006904.7(PRKDC):c.3194G>A (p.Ser1065Asn)

Gene: PRKDC (protein kinase, DNA-activated, catalytic subunit; minus strand). Cytogenetic location: 8q11.21.
Variant type: single nucleotide variant.
Coding change: c.3194G>A on transcript NM_006904.7 (MANE Select); coding-DNA position 3194, G replaced by A.
Protein change: p.Ser1065Asn; replaces serine 1065 with asparagine.
Molecular consequence: missense variant.
Genome position (GRCh38, 1-based): chr8:47,902,644, C>T on the plus strand (G>A on the coding strand, the complement: PRKDC is on the minus strand). VCF-style: chr8-47902644-C-T. GRCh37 (hg19) VCF-style: chr8-48815204-C-T.
Other names: c.3194G>A, p.Ser1065Asn (NM_001081640.2); short protein forms S1065N.
Identifiers: ClinVar variation 2560686 (VCV002560686.2), dbSNP rs1466812299, ClinGen allele CA371156737.